The following is an entry in ClinVar:

ClinVar aggregate classification (germline): Uncertain significance. Review status: criteria provided, multiple submitters, no conflicts (2 of 4 stars). 3 submissions from 3 submitters: Uncertain significance (3). Last evaluated 2025-12-01.

Conditions:
Hereditary cancer-predisposing syndrome. Also called: Hereditary neoplastic syndrome; Neoplastic Syndromes, Hereditary; Tumor predisposition; Hereditary Cancer Syndrome. Identifiers: Orphanet 140162, MedGen C0027672, MeSH D009386, MONDO:0015356.
Tuberous sclerosis 2 (TSC2). Identifiers: Orphanet 805, MedGen C1860707, MONDO:0013199, OMIM 613254.

Allele frequency attached by ClinVar (database versions not stated): gnomAD 0.00001.
gnomAD v4.1: 2 of 1,603,192 alleles (0.00012%); highest among the groups gnomAD compares: Non-Finnish European, 0.00017%; no homozygotes.

Submissions (3):

Ambry Genetics
Classification: Uncertain significance for Hereditary cancer-predisposing syndrome. Last evaluated: 2025-12-01. Review status: criteria provided, single submitter. Criteria: Ambry Variant Classification Scheme 2023. Collection method: clinical testing. Allele origin: germline.
Comment: The p.G1654V variant (also known as c.4961G>T), located in coding exon 37 of the TSC2 gene, results from a G to T substitution at nucleotide position 4961. The glycine at codon 1654 is replaced by valine, an amino acid with dissimilar properties. This amino acid position is conserved. In addition, this alteration is predicted to be deleterious by in silico analysis. Based on the available evidence, the clinical significance of this variant remains unclear.

GeneDx
Classification: Uncertain significance. Last evaluated: 2023-01-04. Review status: criteria provided, single submitter. Criteria: GeneDx Variant Classification Process June 2021. Collection method: clinical testing. Allele origin: germline. Affected: yes.
Comment: Not observed at significant frequency in large population cohorts (gnomAD); In silico analysis supports that this missense variant has a deleterious effect on protein structure/function; Has not been previously published as pathogenic or benign to our knowledge; This variant is associated with the following publications: (PMID: 18466115)

Labcorp Genetics (formerly Invitae), Labcorp
Classification: Uncertain significance for Tuberous sclerosis 2. Last evaluated: 2022-06-17. Review status: criteria provided, single submitter. Criteria: Invitae Variant Classification Sherloc (09022015). Collection method: clinical testing. Allele origin: germline.
Comment: This sequence change replaces glycine, which is neutral and non-polar, with valine, which is neutral and non-polar, at codon 1654 of the TSC2 protein (p.Gly1654Val). ClinVar contains an entry for this variant (Variation ID: 468124). This variant has not been reported in the literature in individuals affected with TSC2-related conditions. This variant is not present in population databases (gnomAD no frequency). Advanced modeling of protein sequence and biophysical properties (such as structural, functional, and spatial information, amino acid conservation, physicochemical variation, residue mobility, and thermodynamic stability) performed at Invitae indicates that this missense variant is expected to disrupt TSC2 protein function. In summary, the available evidence is currently insufficient to determine the role of this variant in disease. Therefore, it has been classified as a Variant of Uncertain Significance.

NM_000548.5(TSC2):c.4961G>T (p.Gly1654Val)

Gene: TSC2 (TSC complex subunit 2; plus strand). Cytogenetic location: 16p13.3.
Variant type: single nucleotide variant.
Coding change: c.4961G>T on transcript NM_000548.5 (MANE Select); coding-DNA position 4961, G replaced by T.
Protein change: p.Gly1654Val; replaces glycine 1654 with valine.
Molecular consequence: missense variant.
Genome position (GRCh38, 1-based): chr16:2,086,843, G>T. VCF-style: chr16-2086843-G-T. GRCh37 (hg19) VCF-style: chr16-2136844-G-T.
Other names: c.4760G>T, p.Gly1587Val (NM_001077183.3); c.4892G>T, p.Gly1631Val (NM_001114382.3); c.4652G>T, p.Gly1551Val (NM_001318827.2); c.4616G>T, p.Gly1539Val (NM_001318829.2); c.4229G>T, p.Gly1410Val (NM_001318831.2); c.4793G>T, p.Gly1598Val (NM_001318832.2); c.4763G>T, p.Gly1588Val (NM_001363528.2); c.4829G>T, p.Gly1610Val (NM_001370404.1); and 1 more; short protein forms G1654V, G1410V, G1539V, G1598V, G1611V, G1587V, G1588V, G1631V.
Identifiers: ClinVar variation 468124 (VCV000468124.12), dbSNP rs1555438692, ClinGen allele CA394308957.